The following is an entry in ClinVar:

NM_198271.5(LMOD3):c.780del (p.Asn261fs)

Gene: LMOD3 (leiomodin 3; minus strand). Cytogenetic location: 3p14.1.
Variant type: Deletion.
Coding change: c.780del on transcript NM_198271.5 (MANE Select); coding-DNA position 780, one base deleted (G; older notation c.780delG).
Protein change: p.Asn261fs; shifts the reading frame from asparagine 261.
Molecular consequence: frameshift variant.
Genome position (GRCh38, 1-based): chr3:69,119,575, C deleted on the plus strand (G on the coding strand, the reverse complement: LMOD3 is on the minus strand). VCF-style (leftmost placement, unchanged base first): chr3-69119574-TC-T. GRCh37 (hg19) VCF-style: chr3-69168725-TC-T.
Other names: c.780del, p.Asn261fs (NM_001304418.3); short protein forms N261fs.
Identifiers: ClinVar variation 2898508 (VCV002898508.3), dbSNP rs2471248566, ClinGen allele CA2666464438.
Genomic context (GRCh38, chr3:69,119,574, plus strand): 5'-TTTTCTTCATTGCATTGACAAAGTCCAGTAACATTTCTTTGGGGATGTTTTCAATGTTGT[TC>T]AGGTTGAGTTCCTTCATGTCAGGATCATTTTTCCTAACTCTCCTCAAGCTCCCATCCAGG-3'

ClinVar aggregate classification (germline): Pathogenic (1 of 4 stars; one submission).

Conditions:
Nemaline myopathy 10 (NEM10). Identifiers: MedGen C4015360, MONDO:0014513, OMIM 616165.

Allele frequency attached by ClinVar (database versions not stated): gnomAD exomes below 0.00001.

Submission:

Labcorp Genetics (formerly Invitae), Labcorp
Classification: Pathogenic for Nemaline myopathy 10. Last evaluated: 2023-11-18. Review status: criteria provided, single submitter. Criteria: Invitae Variant Classification Sherloc (09022015). Collection method: clinical testing. Allele origin: germline.
Comment: This sequence change creates a premature translational stop signal (p.Asn261Thrfs*18) in the LMOD3 gene. It is expected to result in an absent or disrupted protein product. Loss-of-function variants in LMOD3 are known to be pathogenic (PMID: 25250574). This variant is not present in population databases (gnomAD no frequency). This variant has not been reported in the literature in individuals affected with LMOD3-related conditions. For these reasons, this variant has been classified as Pathogenic.

Literature cited by the submitters: PubMed 25250574.